The following is an entry in ClinVar:

ClinVar aggregate classification (germline): Uncertain significance. Review status: criteria provided, multiple submitters, no conflicts (2 of 4 stars). 2 submissions from 2 submitters: Uncertain significance (2). Last evaluated 2026-07-02.

Conditions:
Hereditary cancer-predisposing syndrome. Also called: Hereditary Cancer Syndrome; Tumor predisposition; Hereditary neoplastic syndrome; Neoplastic Syndromes, Hereditary. Identifiers: Orphanet 140162, MedGen C0027672, MeSH D009386, MONDO:0015356.
Familial thoracic aortic aneurysm and aortic dissection (TAAD). Also called: Thoracic aortic aneurysms and dissections. Identifiers: Orphanet 91387, MedGen C4707243, MONDO:0019625.
Juvenile polyposis syndrome (JPS). Identifiers: Orphanet 2929, MedGen C0345893, MONDO:0017380, OMIM 174900.

Submissions (2):

Ambry Genetics
Classification: Uncertain significance for Hereditary cancer-predisposing syndrome; Familial thoracic aortic aneurysm and aortic dissection. Last evaluated: 2026-07-02. Review status: criteria provided, single submitter. Criteria: Ambry Variant Classification Scheme 2023. Collection method: clinical testing. Allele origin: germline.
Comment: The p.E205D variant (also known as c.615G>T), located in coding exon 4 of the SMAD4 gene, results from a G to T substitution at nucleotide position 615. The glutamic acid at codon 205 is replaced by aspartic acid, an amino acid with highly similar properties. This amino acid position is conserved. In addition, this alteration is predicted to be tolerated by in silico analysis. Based on the available evidence, the clinical significance of this variant remains unclear.

Labcorp Genetics (formerly Invitae), Labcorp
Classification: Uncertain significance for Juvenile polyposis syndrome. Last evaluated: 2017-08-30. Review status: criteria provided, single submitter. Criteria: Invitae Variant Classification Sherloc (09022015). Collection method: clinical testing. Allele origin: germline.
Comment: In summary, the available evidence is currently insufficient to determine the role of this variant in disease. Therefore, it has been classified as a Variant of Uncertain Significance. This sequence change replaces glutamic acid with aspartic acid at codon 205 of the SMAD4 protein (p.Glu205Asp). The glutamic acid residue is moderately conserved and there is a small physicochemical difference between glutamic acid and aspartic acid. This variant is not present in population databases (ExAC no frequency). This variant has not been reported in the literature in individuals with SMAD4-related disease. Algorithms developed to predict the effect of missense changes on protein structure and function (SIFT, PolyPhen-2, Align-GVGD) all suggest that this variant is likely to be tolerated, but these predictions have not been confirmed by published functional studies and their clinical significance is uncertain.

NM_005359.6(SMAD4):c.615G>T (p.Glu205Asp)

Gene: SMAD4 (SMAD family member 4; plus strand). Cytogenetic location: 18q21.2.
Variant type: single nucleotide variant.
Coding change: c.615G>T on transcript NM_005359.6 (MANE Select); coding-DNA position 615, G replaced by T.
Protein change: p.Glu205Asp; replaces glutamic acid 205 with aspartic acid.
Molecular consequence: missense variant.
Genome position (GRCh38, 1-based): chr18:51,054,941, G>T. VCF-style: chr18-51054941-G-T. GRCh37 (hg19) VCF-style: chr18-48581311-G-T.
Other names: short protein forms E205D.
Identifiers: ClinVar variation 529936 (VCV000529936.11), dbSNP rs1555685667, ClinGen allele CA402461175.